The following is an entry in ClinVar:

ClinVar aggregate classification (germline): Uncertain significance (1 of 4 stars; one submission).

Conditions:
Neuropathy, hereditary sensory and autonomic, type 1C. Also called: HSAN IC; HSN IC. Identifiers: Orphanet 36386, MedGen C3150896, MONDO:0013337, OMIM 613640.

Submission:

Labcorp Genetics (formerly Invitae), Labcorp
Classification: Uncertain significance for Neuropathy, hereditary sensory and autonomic, type 1C. Last evaluated: 2022-12-02. Review status: criteria provided, single submitter. Criteria: Invitae Variant Classification Sherloc (09022015). Collection method: clinical testing. Allele origin: germline.
Comment: In summary, the available evidence is currently insufficient to determine the role of this variant in disease. Therefore, it has been classified as a Variant of Uncertain Significance. Algorithms developed to predict the effect of missense changes on protein structure and function (SIFT, PolyPhen-2, Align-GVGD) all suggest that this variant is likely to be tolerated. This variant has not been reported in the literature in individuals affected with SPTLC2-related conditions. This variant is not present in population databases (gnomAD no frequency). This sequence change replaces serine, which is neutral and polar, with glycine, which is neutral and non-polar, at codon 433 of the SPTLC2 protein (p.Ser433Gly).

NM_004863.4(SPTLC2):c.1297A>G (p.Ser433Gly)

Gene: SPTLC2 (serine palmitoyltransferase long chain base subunit 2; minus strand). Cytogenetic location: 14q24.3.
Variant type: single nucleotide variant.
Coding change: c.1297A>G on transcript NM_004863.4 (MANE Select); coding-DNA position 1297, A replaced by G.
Protein change: p.Ser433Gly; replaces serine 433 with glycine.
Molecular consequence: missense variant.
Genome position (GRCh38, 1-based): chr14:77,552,102, T>C on the plus strand (A>G on the coding strand, the complement: SPTLC2 is on the minus strand). VCF-style: chr14-77552102-T-C. GRCh37 (hg19) VCF-style: chr14-78018445-T-C.
Other names: short protein forms S433G.
Identifiers: ClinVar variation 1998963 (VCV001998963.4), dbSNP rs2079558493, ClinGen allele CA390706841.